The following is an entry in ClinVar:

NM_004974.4(KCNA2):c.1324C>T (p.Pro442Ser)

Gene: KCNA2 (potassium voltage-gated channel subfamily A member 2; minus strand). Cytogenetic location: 1p13.3.
Variant type: single nucleotide variant.
Coding change: c.1324C>T on transcript NM_004974.4 (MANE Select); coding-DNA position 1324, C replaced by T.
Protein change: p.Pro442Ser; replaces proline 442 with serine.
Molecular consequence: missense variant. On other transcripts: intron variant (1).
Genome position (GRCh38, 1-based): chr1:110,603,459, G>A on the plus strand (C>T on the coding strand, the complement: KCNA2 is on the minus strand). VCF-style: chr1-110603459-G-A. GRCh37 (hg19) VCF-style: chr1-111146081-G-A.
Other names: c.894+430C>T (NM_001204269.2); short protein forms P442S.
Identifiers: ClinVar variation 2571877 (VCV002571877.1), dbSNP rs982474551, ClinGen allele CA28808578.

ClinVar aggregate classification (germline): Uncertain significance (1 of 4 stars; one submission).

Allele frequency attached by ClinVar (database versions not stated): gnomAD exomes below 0.00001; gnomAD 0.00001; TOPMed 0.00003.
gnomAD v4.1: 2 of 1,613,900 alleles (0.00012%); highest among the groups gnomAD compares: African/African-American, 0.0027%; no homozygotes.

Submission:

GeneDx
Classification: Uncertain significance. Last evaluated: 2023-01-06. Review status: criteria provided, single submitter. Criteria: GeneDx Variant Classification Process June 2021. Collection method: clinical testing. Allele origin: germline. Affected: yes.
Comment: Not observed at significant frequency in large population cohorts (gnomAD); In silico analysis supports that this missense variant does not alter protein structure/function; Has not been previously published as pathogenic or benign to our knowledge